The following is an entry in ClinVar:

NM_004991.4(MECOM):c.2803A>G (p.Asn935Asp)

Gene: MECOM (MDS1 and EVI1 complex locus; minus strand). Cytogenetic location: 3q26.2.
Variant type: single nucleotide variant.
Coding change: c.2803A>G on transcript NM_004991.4 (MANE Select); coding-DNA position 2803, A replaced by G.
Protein change: p.Asn935Asp; replaces asparagine 935 with aspartic acid.
Molecular consequence: missense variant.
Genome position (GRCh38, 1-based): chr3:169,100,931, T>C on the plus strand (A>G on the coding strand, the complement: MECOM is on the minus strand). VCF-style: chr3-169100931-T-C. GRCh37 (hg19) VCF-style: chr3-168818719-T-C.
Other names: c.2434A>G, p.Asn812Asp (NM_001105077.4); c.2239A>G, p.Asn747Asp (NM_001105078.4, NM_001205194.2, NM_001366469.2 and 1 more transcripts); c.2215A>G, p.Asn739Asp (NM_001163999.2, NM_001366470.2); c.2212A>G, p.Asn738Asp (NM_001164000.2, NM_001366471.2, NM_001366472.2); c.2776A>G, p.Asn926Asp (NM_001366466.2); c.2242A>G, p.Asn748Asp (NM_001366467.2, NM_001366468.2); c.1804A>G, p.Asn602Asp (NM_001366473.2); c.1240A>G, p.Asn414Asp (NM_001366474.2); short protein forms N414D, N602D, N738D, N739D, N747D, N748D, N812D, N926D.
Identifiers: ClinVar variation 3252937 (VCV003252937.1), dbSNP rs2549269042.

ClinVar aggregate classification (germline): Likely pathogenic (1 of 4 stars; one submission).

Submission:

GeneDx
Classification: Likely pathogenic. Last evaluated: 2024-06-06. Review status: criteria provided, single submitter. Criteria: GeneDx Variant Classification Process June 2021. Collection method: clinical testing. Allele origin: germline. Affected: yes.
Comment: Not observed in large population cohorts (gnomAD); In silico analysis supports that this missense variant has a deleterious effect on protein structure/function; Has not been previously published as pathogenic or benign to our knowledge